The following is an entry in ClinVar:

NM_001134407.3(GRIN2A):c.1007C>T (p.Pro336Leu)

Gene: GRIN2A (glutamate ionotropic receptor NMDA type subunit 2A; minus strand). Cytogenetic location: 16p13.2.
Variant type: single nucleotide variant.
Coding change: c.1007C>T on transcript NM_001134407.3 (MANE Select); coding-DNA position 1007, C replaced by T.
Protein change: p.Pro336Leu; replaces proline 336 with leucine.
Molecular consequence: missense variant.
Genome position (GRCh38, 1-based): chr16:9,937,959, G>A on the plus strand (C>T on the coding strand, the complement: GRIN2A is on the minus strand). VCF-style: chr16-9937959-G-A. GRCh37 (hg19) VCF-style: chr16-10031816-G-A.
Other names: c.1007C>T, p.Pro336Leu (NM_000833.5, NM_001134408.2); short protein forms P336L.
Identifiers: ClinVar variation 994891 (VCV000994891.10), dbSNP rs757262372, ClinGen allele CA7896854.

ClinVar aggregate classification (germline): Uncertain significance. Review status: criteria provided, multiple submitters, no conflicts (2 of 4 stars). 4 submissions from 4 submitters: Uncertain significance (4). Last evaluated 2023-07-09.

Conditions:
Landau-Kleffner syndrome (FESD). Also called: EPILEPSY, FOCAL, WITH SPEECH DISORDER AND WITH OR WITHOUT MENTAL RETARDATION; APHASIA, ACQUIRED, WITH EPILEPSY. Identifiers: Orphanet 1945, Orphanet 725, Orphanet 98818, MedGen C0282512, MONDO:0009509, OMIM 245570.

Allele frequency attached by ClinVar (database versions not stated): ExAC 0.00002; gnomAD exomes 0.00003; TOPMed below 0.00001.
gnomAD v4.1: 15 of 1,609,172 alleles (0.00093%); highest among the groups gnomAD compares: Admixed American, 0.005%; no homozygotes.

Submissions (4):

Labcorp Genetics (formerly Invitae), Labcorp
Classification: Uncertain significance for Landau-Kleffner syndrome. Last evaluated: 2023-07-09. Review status: criteria provided, single submitter. Criteria: Invitae Variant Classification Sherloc (09022015). Collection method: clinical testing. Allele origin: germline.
Comment: ClinVar contains an entry for this variant (Variation ID: 994891). In summary, the available evidence is currently insufficient to determine the role of this variant in disease. Therefore, it has been classified as a Variant of Uncertain Significance. An algorithm developed to predict the effect of missense changes on protein structure and function (PolyPhen-2) suggests that this variant is likely to be tolerated. This variant has not been reported in the literature in individuals affected with GRIN2A-related conditions. This variant is present in population databases (rs757262372, gnomAD 0.006%). This sequence change replaces proline, which is neutral and non-polar, with leucine, which is neutral and non-polar, at codon 336 of the GRIN2A protein (p.Pro336Leu).

Revvity Omics, Revvity
Classification: Uncertain significance for Landau-Kleffner syndrome. Last evaluated: 2022-06-23. Review status: criteria provided, single submitter. Criteria: ACMG Guidelines, 2015. Collection method: clinical testing. Allele origin: germline.

GeneDx
Classification: Uncertain significance. Last evaluated: 2021-06-09. Review status: criteria provided, single submitter. Criteria: GeneDx Variant Classification Process June 2021. Collection method: clinical testing. Allele origin: germline. Affected: yes.
Comment: In silico analysis supports that this missense variant does not alter protein structure/function; In-silico analysis, which includes splice predictors and evolutionary conservation, is inconclusive as to whether the variant alters gene splicing. In the absence of RNA/functional studies, the actual effect of this sequence change is unknown.; Has not been previously published as pathogenic or benign to our knowledge; This variant is associated with the following publications: (PMID: 27535533, 27839871)

Athena Diagnostics
Classification: Uncertain significance. Last evaluated: 2019-11-06. Review status: criteria provided, single submitter. Criteria: Athena Diagnostics Criteria. Collection method: clinical testing. Allele origin: unknown.